The following is an entry in ClinVar:

ClinVar aggregate classification (germline): Uncertain significance (1 of 4 stars; one submission).

gnomAD v4.1: 4 of 1,613,754 alleles (0.00025%); highest among the groups gnomAD compares: East Asian, 0.0022%; no homozygotes.

Submission:

Labcorp Genetics (formerly Invitae), Labcorp
Classification: Uncertain significance. Last evaluated: 2025-05-18. Review status: criteria provided, single submitter. Criteria: Invitae Variant Classification Sherloc (09022015). Collection method: clinical testing. Allele origin: germline.
Comment: This sequence change replaces proline, which is neutral and non-polar, with leucine, which is neutral and non-polar, at codon 304 of the CDC6 protein (p.Pro304Leu). This variant is not present in population databases (gnomAD no frequency). This variant has not been reported in the literature in individuals affected with CDC6-related conditions. An algorithm developed to predict the effect of missense changes on protein structure and function (PolyPhen-2) suggests that this variant is likely to be disruptive. In summary, the available evidence is currently insufficient to determine the role of this variant in disease. Therefore, it has been classified as a Variant of Uncertain Significance.

NM_001254.4(CDC6):c.911C>T (p.Pro304Leu)

Gene: CDC6 (cell division cycle 6; plus strand). Cytogenetic location: 17q21.2.
Variant type: single nucleotide variant.
Coding change: c.911C>T on transcript NM_001254.4 (MANE Select); coding-DNA position 911, C replaced by T.
Protein change: p.Pro304Leu; replaces proline 304 with leucine.
Molecular consequence: missense variant.
Genome position (GRCh38, 1-based): chr17:40,294,024, C>T. VCF-style: chr17-40294024-C-T. GRCh37 (hg19) VCF-style: chr17-38450276-C-T.
Other names: short protein forms P304L.
Identifiers: ClinVar variation 4780350 (VCV004780350.1).